The following is an entry in ClinVar:

ClinVar aggregate classification (germline): Uncertain significance (1 of 4 stars; one submission).

Allele frequency attached by ClinVar (database versions not stated): gnomAD exomes below 0.00001.
gnomAD v4.1: 4 of 1,605,026 alleles (0.00025%); highest among the groups gnomAD compares: Non-Finnish European, 0.00026%; no homozygotes.

Submission:

Labcorp Genetics (formerly Invitae), Labcorp
Classification: Uncertain significance. Last evaluated: 2023-03-26. Review status: criteria provided, single submitter. Criteria: Invitae Variant Classification Sherloc (09022015). Collection method: clinical testing. Allele origin: germline.
Comment: This variant is not present in population databases (gnomAD no frequency). This sequence change replaces glycine, which is neutral and non-polar, with arginine, which is basic and polar, at codon 90 of the TBX6 protein (p.Gly90Arg). This variant has not been reported in the literature in individuals affected with TBX6-related conditions. Advanced modeling of protein sequence and biophysical properties (such as structural, functional, and spatial information, amino acid conservation, physicochemical variation, residue mobility, and thermodynamic stability) performed at Invitae indicates that this missense variant is not expected to disrupt TBX6 protein function. In summary, the available evidence is currently insufficient to determine the role of this variant in disease. Therefore, it has been classified as a Variant of Uncertain Significance.

NM_004608.4(TBX6):c.268G>C (p.Gly90Arg)

Gene: TBX6 (T-box transcription factor 6; minus strand). Cytogenetic location: 16p11.2.
Variant type: single nucleotide variant.
Coding change: c.268G>C on transcript NM_004608.4 (MANE Select); coding-DNA position 268, G replaced by C.
Protein change: p.Gly90Arg; replaces glycine 90 with arginine.
Molecular consequence: missense variant.
Genome position (GRCh38, 1-based): chr16:30,090,843, C>G on the plus strand (G>C on the coding strand, the complement: TBX6 is on the minus strand). VCF-style: chr16-30090843-C-G. GRCh37 (hg19) VCF-style: chr16-30102164-C-G.
Other names: short protein forms G90R.
Identifiers: ClinVar variation 2869493 (VCV002869493.3), dbSNP rs2543669347, ClinGen allele CA395521522.